The following is an entry in ClinVar:

ClinVar aggregate classification (germline): Uncertain significance (1 of 4 stars; one submission).

gnomAD v4.1: 2 of 1,614,018 alleles (0.00012%); highest among the groups gnomAD compares: Non-Finnish European, 0.00017%; no homozygotes.

Submission:

Ambry Genetics
Classification: Uncertain significance. Last evaluated: 2025-06-20. Review status: criteria provided, single submitter. Criteria: Ambry Variant Classification Scheme 2023. Collection method: clinical testing. Allele origin: germline.
Comment: The p.V647M variant (also known as c.1939G>A), located in coding exon 1 of the TET2 gene, results from a G to A substitution at nucleotide position 1939. The valine at codon 647 is replaced by methionine, an amino acid with highly similar properties. This amino acid position is conserved. In addition, this alteration is predicted to be tolerated by in silico analysis. Based on the available evidence, the clinical significance of this variant remains unclear.

NM_001127208.3(TET2):c.1939G>A (p.Val647Met)

Genes: TET2 (tet methylcytosine dioxygenase 2; plus strand), TET2-AS1 (TET2 antisense RNA 1; minus strand). Cytogenetic location: 4q24.
Variant type: single nucleotide variant.
Coding change: c.1939G>A on transcript NM_001127208.3 (MANE Select); coding-DNA position 1939, G replaced by A.
Protein change: p.Val647Met; replaces valine 647 with methionine.
Molecular consequence: missense variant.
Genome position (GRCh38, 1-based): chr4:105,235,881, G>A. VCF-style: chr4-105235881-G-A. GRCh37 (hg19) VCF-style: chr4-106157038-G-A.
Other names: c.1939G>A, p.Val647Met (NM_017628.4); short protein forms V647M.
Identifiers: ClinVar variation 4182923 (VCV004182923.1).